The following is an entry in ClinVar:

ClinVar aggregate classification (germline): Uncertain significance (1 of 4 stars; one submission).

Conditions:
Hereditary cancer-predisposing syndrome. Also called: Neoplastic Syndromes, Hereditary; Hereditary Cancer Syndrome; Tumor predisposition; Hereditary neoplastic syndrome. Identifiers: Orphanet 140162, MedGen C0027672, MeSH D009386, MONDO:0015356.

Submission:

Ambry Genetics
Classification: Uncertain significance for Hereditary cancer-predisposing syndrome. Last evaluated: 2025-01-27. Review status: criteria provided, single submitter. Criteria: Ambry Variant Classification Scheme 2023. Collection method: clinical testing. Allele origin: germline.
Comment: The p.H1551N variant (also known as c.4651C>A), located in coding exon 36 of the POLE gene, results from a C to A substitution at nucleotide position 4651. The histidine at codon 1551 is replaced by asparagine, an amino acid with similar properties. This amino acid position is highly conserved in available vertebrate species. In addition, this alteration is predicted to be tolerated by in silico analysis. Based on the available evidence, the clinical significance of this variant remains unclear.

NM_006231.4(POLE):c.4651C>A (p.His1551Asn)

Gene: POLE (DNA polymerase epsilon, catalytic subunit; minus strand). Cytogenetic location: 12q24.33.
Variant type: single nucleotide variant.
Coding change: c.4651C>A on transcript NM_006231.4 (MANE Select); coding-DNA position 4651, C replaced by A.
Protein change: p.His1551Asn; replaces histidine 1551 with asparagine.
Molecular consequence: missense variant.
Genome position (GRCh38, 1-based): chr12:132,642,897, G>T on the plus strand (C>A on the coding strand, the complement: POLE is on the minus strand). VCF-style: chr12-132642897-G-T. GRCh37 (hg19) VCF-style: chr12-133219483-G-T.
Other names: short protein forms H1551N.
Identifiers: ClinVar variation 3781517 (VCV003781517.1).